The following is an entry in ClinVar:

NM_000350.3(ABCA4):c.878T>G (p.Met293Arg)

Gene: ABCA4 (ATP binding cassette subfamily A member 4; minus strand). Cytogenetic location: 1p22.1.
Variant type: single nucleotide variant.
Coding change: c.878T>G on transcript NM_000350.3 (MANE Select); coding-DNA position 878, T replaced by G.
Protein change: p.Met293Arg; replaces methionine 293 with arginine.
Molecular consequence: missense variant.
Genome position (GRCh38, 1-based): chr1:94,080,699, A>C on the plus strand (T>G on the coding strand, the complement: ABCA4 is on the minus strand). VCF-style: chr1-94080699-A-C. GRCh37 (hg19) VCF-style: chr1-94546255-A-C.
Other names: c.878T>G, p.Met293Arg (NM_001425324.1); short protein forms M293R.
Identifiers: ClinVar variation 1469559 (VCV001469559.8), dbSNP rs2101107081, ClinGen allele CA341284500.
Genomic context (GRCh38, chr1:94,080,699, plus strand): 5'-GTAAAGGTCTCTGGACCACCATTCTGCATGAGGGGCCTGGTCACCCACAGCAAGTCCTGC[A>C]TACTCGGCCGATGGATAAACTAGGGCAAGGCAAAGTCTTCAGGTTATTTTAAGGCAGCTA-3'
Protein context (NP_000341.2, residues 283-303): RIQEFIHRPS[Met293Arg]QDLLWVTRPL

ClinVar aggregate classification (germline): Pathogenic (1 of 4 stars; one submission).

Submission:

Labcorp Genetics (formerly Invitae), Labcorp
Classification: Pathogenic. Last evaluated: 2025-01-06. Review status: criteria provided, single submitter. Criteria: Invitae Variant Classification Sherloc (09022015). Collection method: clinical testing. Allele origin: germline.
Comment: This sequence change replaces methionine, which is neutral and non-polar, with arginine, which is basic and polar, at codon 293 of the ABCA4 protein (p.Met293Arg). This variant is not present in population databases (gnomAD no frequency). This missense change has been observed in individual(s) with clinical features of ABCA4-related conditions (internal data). In at least one individual the data is consistent with being in trans (on the opposite chromosome) from a pathogenic variant. ClinVar contains an entry for this variant (Variation ID: 1469559). Invitae Evidence Modeling of protein sequence and biophysical properties (such as structural, functional, and spatial information, amino acid conservation, physicochemical variation, residue mobility, and thermodynamic stability) indicates that this missense variant is not expected to disrupt ABCA4 protein function with a negative predictive value of 95%. Algorithms developed to predict the effect of sequence changes on RNA splicing suggest that this variant may disrupt the consensus splice site. For these reasons, this variant has been classified as Pathogenic.